The following is an entry in ClinVar:

NM_170707.4(LMNA):c.302G>A (p.Arg101His)

Gene: LMNA (lamin A/C; plus strand). Cytogenetic location: 1q22.
Variant type: single nucleotide variant.
Coding change: c.302G>A on transcript NM_170707.4 (MANE Select); coding-DNA position 302, G replaced by A.
Protein change: p.Arg101His; replaces arginine 101 with histidine.
Molecular consequence: missense variant.
Genome position (GRCh38, 1-based): chr1:156,115,220, G>A. VCF-style: chr1-156115220-G-A. GRCh37 (hg19) VCF-style: chr1-156085011-G-A.
Other names: c.302G>A, p.Arg101His (NM_001282625.2, NM_001282626.2, NM_005572.4 and 1 more transcripts); short protein forms R101H.
Identifiers: ClinVar variation 290438 (VCV000290438.11), dbSNP rs267607568, ClinGen allele CA10606776.

ClinVar aggregate classification (germline): Uncertain significance. Review status: criteria provided, multiple submitters, no conflicts (2 of 4 stars). 4 submissions from 4 submitters: Uncertain significance (4). Last evaluated 2025-07-23.

Conditions:
Charcot-Marie-Tooth disease type 2. Also called: Charcot-Marie-Tooth type 2. Identifiers: Orphanet 64746, MedGen C0270914, MONDO:0018993.
Cardiomyopathy (CMYO). Also called: Cardiomyopathies. Identifiers: Orphanet 167848, MedGen C0878544, MONDO:0004994, HP:0001638. Inheritance: Various modes of inheritance.

Allele frequency attached by ClinVar (database versions not stated): gnomAD exomes below 0.00001; TOPMed 0.00001.

Submissions (4):

Dasa
Classification: Uncertain significance. Last evaluated: 2025-07-23. Review status: criteria provided, single submitter. Criteria: DASA Assertion Criteria. Collection method: clinical testing. Allele origin: germline.
Comment: NM_170707.4(LMNA):c.302G>A (p.Arg101His) is a missense variant that results in the substitution of arginine with histidine. The affected residue or protein region has prior evidence supporting clinical relevance. This variant is absent from population databases. Computational prediction algorithms are consistent with a deleterious effect. The currently available literature and clinical evidence are not sufficient to establish a definitive association between this variant and the reported condition. Therefore, this variant is classified as a variant of uncertain significance.

Color Diagnostics, LLC DBA Color Health
Classification: Uncertain significance for Cardiomyopathy. Last evaluated: 2022-10-10. Review status: criteria provided, single submitter. Criteria: ACMG Guidelines, 2015. Collection method: clinical testing. Allele origin: germline.
Comment: This missense variant replaces arginine with histidine at codon 101 of the lamin A/C protein. Computational prediction suggests that this variant may have deleterious impact on protein structure and function (internally defined REVEL score threshold >= 0.7, PMID: 27666373). To our knowledge, functional studies have not been reported for this variant. This variant has not been reported in individuals affected with cardiovascular disorders in the literature. This variant has been identified in 1/244382 chromosomes in the general population by the Genome Aggregation Database (gnomAD). The available evidence is insufficient to determine the role of this variant in disease conclusively. Therefore, this variant is classified as a Variant of Uncertain Significance.

Labcorp Genetics (formerly Invitae), Labcorp
Classification: Uncertain significance for Charcot-Marie-Tooth disease type 2. Last evaluated: 2021-08-02. Review status: criteria provided, single submitter. Criteria: Invitae Variant Classification Sherloc (09022015). Collection method: clinical testing. Allele origin: germline.
Comment: This sequence change replaces arginine with histidine at codon 101 of the LMNA protein (p.Arg101His). The arginine residue is highly conserved and there is a small physicochemical difference between arginine and histidine. This variant is not present in population databases (ExAC no frequency). This variant has not been reported in the literature in individuals affected with LMNA-related conditions. ClinVar contains an entry for this variant (Variation ID: 290438). Algorithms developed to predict the effect of missense changes on protein structure and function are either unavailable or do not agree on the potential impact of this missense change (SIFT: "Deleterious"; PolyPhen-2: "Benign"; Align-GVGD: "Class C25"). In summary, the available evidence is currently insufficient to determine the role of this variant in disease. Therefore, it has been classified as a Variant of Uncertain Significance.

Eurofins Ntd Llc (ga)
Classification: Uncertain significance. Last evaluated: 2017-12-21. Review status: criteria provided, single submitter. Criteria: EGL Classification Definitions 2015. Collection method: clinical testing. Allele origin: germline. Observed: 1 variant allele, 1 heterozygote.